The following is an entry in ClinVar:

ClinVar aggregate classification (germline): Uncertain significance. Review status: criteria provided, multiple submitters, no conflicts (2 of 4 stars). 2 submissions from 2 submitters: Uncertain significance (2). Last evaluated 2024-01-18.

Conditions:
Medulloblastoma (MDB). Also called: MEDULLOBLASTOMA PREDISPOSITION SYNDROME; Medulloblastoma, somatic. Identifiers: Orphanet 616, MedGen C0025149, MeSH D008527, MONDO:0007959, OMIM 155255, HP:0002885.
Familial dysautonomia. Also called: FD; HSAN III. Identifiers: Orphanet 1764, MedGen C0013364, MONDO:0009131, OMIM 223900. Disease mechanism: loss of function.

Allele frequency attached by ClinVar (database versions not stated): gnomAD 0.00001; TOPMed 0.00001; gnomAD exomes 0.00002.
gnomAD v4.1: 36 of 1,614,052 alleles (0.0022%); highest among the groups gnomAD compares: Non-Finnish European, 0.0029%; no homozygotes.

Submissions (2):

Fulgent Genetics
Classification: Uncertain significance for Medulloblastoma; Familial dysautonomia. Last evaluated: 2024-01-18. Review status: criteria provided, single submitter. Criteria: ACMG Guidelines, 2015. Collection method: clinical testing. Allele origin: germline.

Labcorp Genetics (formerly Invitae), Labcorp
Classification: Uncertain significance. Last evaluated: 2021-07-26. Review status: criteria provided, single submitter. Criteria: Invitae Variant Classification Sherloc (09022015). Collection method: clinical testing. Allele origin: germline.
Comment: In summary, the available evidence is currently insufficient to determine the role of this variant in disease. Therefore, it has been classified as a Variant of Uncertain Significance. Algorithms developed to predict the effect of missense changes on protein structure and function (SIFT, PolyPhen-2, Align-GVGD) all suggest that this variant is likely to be tolerated, but these predictions have not been confirmed by published functional studies and their clinical significance is uncertain. This variant has not been reported in the literature in individuals with ELP1-related conditions. This variant is not present in population databases (ExAC no frequency). This sequence change replaces threonine with isoleucine at codon 415 of the ELP1 protein (p.Thr415Ile). The threonine residue is weakly conserved and there is a moderate physicochemical difference between threonine and isoleucine.

NM_003640.5(ELP1):c.1244C>T (p.Thr415Ile)

Gene: ELP1 (elongator acetyltransferase complex subunit 1; minus strand). Cytogenetic location: 9q31.3.
Variant type: single nucleotide variant.
Coding change: c.1244C>T on transcript NM_003640.5 (MANE Select); coding-DNA position 1244, C replaced by T.
Protein change: p.Thr415Ile; replaces threonine 415 with isoleucine.
Molecular consequence: missense variant.
Genome position (GRCh38, 1-based): chr9:108,911,126, G>A on the plus strand (C>T on the coding strand, the complement: ELP1 is on the minus strand). VCF-style: chr9-108911126-G-A. GRCh37 (hg19) VCF-style: chr9-111673406-G-A.
Other names: c.902C>T, p.Thr301Ile (NM_001318360.2); c.197C>T, p.Thr66Ile (NM_001330749.2); short protein forms T66I, T301I, T415I.
Identifiers: ClinVar variation 1372909 (VCV001372909.7), dbSNP rs756192004, ClinGen allele CA197543855.